The following is an entry in ClinVar:

NM_000400.4(ERCC2):c.1422C>A (p.His474Gln)

Gene: ERCC2 (ERCC excision repair 2, TFIIH core complex helicase subunit; minus strand). Cytogenetic location: 19q13.32.
Variant type: single nucleotide variant.
Coding change: c.1422C>A on transcript NM_000400.4 (MANE Select); coding-DNA position 1422, C replaced by A.
Protein change: p.His474Gln; replaces histidine 474 with glutamine.
Molecular consequence: missense variant.
Genome position (GRCh38, 1-based): chr19:45,357,327, G>T on the plus strand (C>A on the coding strand, the complement: ERCC2 is on the minus strand). VCF-style: chr19-45357327-G-T. GRCh37 (hg19) VCF-style: chr19-45860585-G-T.
Other names: short protein forms H474Q.
Identifiers: ClinVar variation 3231638 (VCV003231638.1), dbSNP rs2514012455, ClinGen allele CA406367132.

ClinVar aggregate classification (germline): Uncertain significance (1 of 4 stars; one submission).

Conditions:
Inborn genetic diseases. Identifiers: MedGen C0950123, MeSH D030342.

Submission:

Ambry Genetics
Classification: Uncertain significance for Inborn genetic diseases. Last evaluated: 2023-11-10. Review status: criteria provided, single submitter. Criteria: Ambry Variant Classification Scheme 2023. Collection method: clinical testing. Allele origin: germline.
Comment: The p.H474Q variant (also known as c.1422C>A), located in coding exon 15 of the ERCC2 gene, results from a C to A substitution at nucleotide position 1422. The histidine at codon 474 is replaced by glutamine, an amino acid with highly similar properties. This amino acid position is conserved. In addition, this alteration is predicted to be tolerated by in silico analysis. Since supporting evidence is limited at this time, the clinical significance of this alteration remains unclear.